The following is an entry in ClinVar:

ClinVar aggregate classification (germline): Uncertain significance (1 of 4 stars; one submission).

Conditions:
RASopathy. Also called: rasopathies; Noonan spectrum disorder. Identifiers: Orphanet 536391, MedGen C5555857, MONDO:0021060.

Allele frequency attached by ClinVar (database versions not stated): gnomAD exomes below 0.00001.

Submission:

Labcorp Genetics (formerly Invitae), Labcorp
Classification: Uncertain significance for RASopathy. Last evaluated: 2022-05-29. Review status: criteria provided, single submitter. Criteria: Invitae Variant Classification Sherloc (09022015). Collection method: clinical testing. Allele origin: germline.
Comment: This sequence change replaces glycine, which is neutral and non-polar, with serine, which is neutral and polar, at codon 229 of the MAP2K2 protein (p.Gly229Ser). This variant is present in population databases (no rsID available, gnomAD 0.008%). This variant has not been reported in the literature in individuals affected with MAP2K2-related conditions. Advanced modeling of protein sequence and biophysical properties (such as structural, functional, and spatial information, amino acid conservation, physicochemical variation, residue mobility, and thermodynamic stability) performed at Invitae indicates that this missense variant is expected to disrupt MAP2K2 protein function. In summary, the available evidence is currently insufficient to determine the role of this variant in disease. Therefore, it has been classified as a Variant of Uncertain Significance.

NM_030662.4(MAP2K2):c.685G>A (p.Gly229Ser)

Gene: MAP2K2 (mitogen-activated protein kinase kinase 2; minus strand). Cytogenetic location: 19p13.3.
Variant type: single nucleotide variant.
Coding change: c.685G>A on transcript NM_030662.4 (MANE Select); coding-DNA position 685, G replaced by A.
Protein change: p.Gly229Ser; replaces glycine 229 with serine.
Molecular consequence: missense variant.
Genome position (GRCh38, 1-based): chr19:4,101,039, C>T on the plus strand (G>A on the coding strand, the complement: MAP2K2 is on the minus strand). VCF-style: chr19-4101039-C-T. GRCh37 (hg19) VCF-style: chr19-4101037-C-T.
Other names: short protein forms G229S.
Identifiers: ClinVar variation 1975824 (VCV001975824.5), dbSNP rs1235037781, ClinGen allele CA403388367.
Genomic context (GRCh38, chr19:4,101,039, plus strand): 5'-CAGGGAGGAGAGCTGGAGGGGAGAGCCAGCGGGGACTCACAGCCATGTAGGAGCGCGTGC[C>T]CACGAAGGAGTTGGCCATGGAGTCGATGAGCTGGCCGCTCACCCCGAAGTCACACAGCTT-3'
Protein context (NP_109587.1, residues 219-239): LIDSMANSFV[Gly229Ser]TRSYMAPERL